The following is an entry in ClinVar:

NM_002439.5(MSH3):c.2827G>C (p.Asp943His)

Gene: MSH3 (mutS homolog 3; plus strand). Cytogenetic location: 5q14.1.
Variant type: single nucleotide variant.
Coding change: c.2827G>C on transcript NM_002439.5 (MANE Select); coding-DNA position 2827, G replaced by C.
Protein change: p.Asp943His; replaces aspartic acid 943 with histidine.
Molecular consequence: missense variant.
Genome position (GRCh38, 1-based): chr5:80,854,143, G>C. VCF-style: chr5-80854143-G-C. GRCh37 (hg19) VCF-style: chr5-80149962-G-C.
Other names: short protein forms D943H.
Identifiers: ClinVar variation 2808407 (VCV002808407.3), dbSNP rs1745876335, ClinGen allele CA360275480.
Genomic context (GRCh38, chr5:80,854,143, plus strand): 5'-ATAAGAAAGTGAAGAGGAAAATCAAGGTGTTTTCATCTTGCTTGTAGGATGGGTGCTGCA[G>C]ACAATATATATAAAGGACAGAGTACATTTATGGAAGAACTGACTGACACAGCAGAAATAA-3'
Protein context (NP_002430.3, residues 933-953): DGIFTRMGAA[Asp943His]NIYKGQSTFM

ClinVar aggregate classification (germline): Uncertain significance (1 of 4 stars; one submission).

Submission:

Labcorp Genetics (formerly Invitae), Labcorp
Classification: Uncertain significance. Last evaluated: 2024-03-11. Review status: criteria provided, single submitter. Criteria: Invitae Variant Classification Sherloc (09022015). Collection method: clinical testing. Allele origin: germline.
Comment: This sequence change replaces aspartic acid, which is acidic and polar, with histidine, which is basic and polar, at codon 943 of the MSH3 protein (p.Asp943His). This variant is not present in population databases (gnomAD no frequency). This variant has not been reported in the literature in individuals affected with MSH3-related conditions. An algorithm developed to predict the effect of missense changes on protein structure and function (PolyPhen-2) suggests that this variant is likely to be disruptive. In summary, the available evidence is currently insufficient to determine the role of this variant in disease. Therefore, it has been classified as a Variant of Uncertain Significance.